The following is an entry in ClinVar:

ClinVar aggregate classification (germline): Pathogenic. Review status: reviewed by expert panel (3 of 4 stars). 6 submissions from 6 submitters: Pathogenic (1). 5 of the submissions do not count toward it. Last evaluated 2016-09-08.

Conditions:
Hereditary cancer-predisposing syndrome. Also called: Tumor predisposition; Neoplastic Syndromes, Hereditary; Hereditary Cancer Syndrome; Hereditary neoplastic syndrome. Identifiers: Orphanet 140162, MedGen C0027672, MeSH D009386, MONDO:0015356.
Hereditary breast ovarian cancer syndrome. Also called: Hereditary breast and ovarian cancer syndrome (HBOC); Hereditary breast and ovarian cancer syndrome; Hereditary breast and ovarian cancer; Hereditary breast and/or ovarian cancer syndrome; Breast and ovarian cancer; BRCA1- and BRCA2-Associated Hereditary Breast and Ovarian Cancer. Identifiers: Orphanet 145, MedGen C0677776, MeSH D061325, MONDO:0003582. Disease mechanism: loss of function.
Breast-ovarian cancer, familial, susceptibility to, 1 (BROVCA1). Also called: OVARIAN CANCER, SUSCEPTIBILITY TO; BRCA1 Hereditary Breast and Ovarian Cancer. Identifiers: Orphanet 145, MedGen C2676676, MONDO:0011450, OMIM 604370. Disease mechanism: loss of function.

Submissions (6):

Evidence-based Network for the Interpretation of Germline Mutant Alleles (ENIGMA)
Classification: Pathogenic for Breast-ovarian cancer, familial, susceptibility to, 1. Last evaluated: 2016-09-08. Review status: reviewed by expert panel. Criteria: ENIGMA BRCA1/2 Classification Criteria (2015). Collection method: curation. Allele origin: germline.
Comment: Variant allele predicted to encode a truncated non-functional protein.

Ambry Genetics
Classification: Pathogenic for Hereditary cancer-predisposing syndrome. Last evaluated: 2025-12-16. Review status: criteria provided, single submitter. Criteria: Ambry Variant Classification Scheme 2023. Collection method: clinical testing. Allele origin: germline. Not counted in ClinVar's aggregate classification.
Comment: The c.2406_2409delGAGT pathogenic mutation, located in coding exon 9 of the BRCA1 gene, results from a deletion of 4 nucleotides at nucleotide positions 2406 to 2409, causing a translational frameshift with a predicted alternate stop codon (p.Q804Vfs*10). This mutation has been reported in individuals with hereditary breast and/or ovarian cancer (Weitzel JN et al. Cancer Epidemiol. Biomarkers Prev. 2005 Jul;14(7):1666-71; Rebbeck TR et al. Hum Mutat. 2018 May;39(5):593-620). Of note, this mutation is also designated as 2525del4 in published literature. This variant is considered to be rare based on population cohorts in the Genome Aggregation Database (gnomAD). In addition to the clinical data presented in the literature, this alteration is expected to result in loss of function by premature protein truncation or nonsense-mediated mRNA decay. As such, this alteration is interpreted as a disease-causing mutation.

Labcorp Genetics (formerly Invitae), Labcorp
Classification: Pathogenic for Hereditary breast ovarian cancer syndrome. Last evaluated: 2025-08-11. Review status: criteria provided, single submitter. Criteria: Invitae Variant Classification Sherloc (09022015). Collection method: clinical testing. Allele origin: germline. Not counted in ClinVar's aggregate classification.
Comment: This sequence change creates a premature translational stop signal (p.Gln804Valfs*10) in the BRCA1 gene. It is expected to result in an absent or disrupted protein product. Loss-of-function variants in BRCA1 are known to be pathogenic (PMID: 20104584). This variant is not present in population databases (gnomAD no frequency). This premature translational stop signal has been observed in individual(s) with a personal and/or family history of breast and/or ovarian cancer (PMID: 16030099). This variant is also known as 2525del4. ClinVar contains an entry for this variant (Variation ID: 54559). For these reasons, this variant has been classified as Pathogenic.

Quest Diagnostics Nichols Institute San Juan Capistrano
Classification: Pathogenic. Last evaluated: 2023-05-23. Review status: criteria provided, single submitter. Criteria: Quest Diagnostics criteria. Collection method: clinical testing. Allele origin: unknown. Not counted in ClinVar's aggregate classification.
Comment: The BRCA1 c.2406_2409del (p.Gln804Valfs*10) variant alters the translational reading frame of the BRCA1 mRNA and causes the premature termination of BRCA1 protein synthesis. This variant has been reported in the published literature in individuals with personal or family history of breast and/or ovarian cancer (PMID: 16030099 (2005)), and in carrier individuals with unspecified phenotypes (PMIDs: 29446198 (2018), 32806537 (2020)). This variant has not been reported in large, multi-ethnic general populations (Genome Aggregation Database). Based on the available information, this variant is classified as pathogenic.

Consortium of Investigators of Modifiers of BRCA1/2 (CIMBA), c/o University of Cambridge
Classification: Pathogenic for Breast-ovarian cancer, familial, susceptibility to, 1. Last evaluated: 2015-10-02. Review status: criteria provided, single submitter. Criteria: CIMBA Mutation Classification guidelines May 2016. Collection method: clinical testing. Allele origin: germline. Not counted in ClinVar's aggregate classification.

Breast Cancer Information Core (BIC) (BRCA1)
Classification: Pathogenic for Breast-ovarian cancer, familial 1. Last evaluated: 2004-02-20. Review status: no assertion criteria provided. Collection method: clinical testing. Allele origin: germline. Affected: yes. Observed: 1 variant allele. Not counted in ClinVar's aggregate classification.

Literature cited by the submitters: PubMed 20104584 (cited by Labcorp Genetics (formerly Invitae), Labcorp); PubMed 16030099 (cited by Labcorp Genetics (formerly Invitae), Labcorp and Quest Diagnostics Nichols Institute San Juan Capistrano); PubMed 29446198 (cited by Quest Diagnostics Nichols Institute San Juan Capistrano); PubMed 32806537 (cited by Quest Diagnostics Nichols Institute San Juan Capistrano).

NM_007294.4(BRCA1):c.2406_2409del (p.Gln804fs)

Gene: BRCA1 (BRCA1 DNA repair associated; minus strand). Cytogenetic location: 17q21.31.
Variant type: Deletion.
Coding change: c.2406_2409del on transcript NM_007294.4 (MANE Select); coding-DNA positions 2406 to 2409, 4 bases deleted (GAGT; older notation c.2406_2409delGAGT).
Protein change: p.Gln804fs; shifts the reading frame from glutamine 804.
Molecular consequence: frameshift variant. On other transcripts: intron variant (137).
Genome position (GRCh38, 1-based): chr17:43,093,122-43,093,125, ACTC deleted on the plus strand (GAGT on the coding strand, the reverse complement: BRCA1 is on the minus strand); deleting any 4 consecutive bases within chr17:43,093,122-43,093,127 gives the same sequence; the c. name uses the placement nearest the transcript's 3' end. VCF-style (leftmost placement, unchanged base first): chr17-43093121-GACTC-G. GRCh37 (hg19) VCF-style: chr17-41245138-GACTC-G.
Other names: 2525del4; c.2406_2409delGAGT (NM_007294.3); c.2196_2199del, p.Gln734fs (NM_001407908.1, NM_001407909.1, NM_001407910.1 and 13 more transcripts); c.2193_2196del, p.Gln733fs (NM_001407915.1, NM_001407916.1, NM_001407917.1 and 9 more transcripts); c.2283_2286del, p.Gln763fs (NM_001407919.1, NM_001407937.1, NM_001407938.1 and 19 more transcripts); c.2142_2145del, p.Gln716fs (NM_001407920.1, NM_001407921.1, NM_001407922.1 and 9 more transcripts); c.2139_2142del, p.Gln715fs (NM_001407930.1, NM_001407931.1, NM_001407932.1 and 2 more transcripts); c.2280_2283del, p.Gln762fs (NM_001407940.1, NM_001407941.1, NM_001407649.1 and 11 more transcripts); and 43 more; short protein forms Q757fs, Q804fs, Q693fs, Q716fs, Q508fs, Q636fs, Q676fs, Q736fs.
Identifiers: ClinVar variation 54559 (VCV000054559.55), dbSNP rs80357674, ClinGen allele CA001600.